The following is an entry in ClinVar:

NM_004301.5(ACTL6A):c.561C>T (p.Val187=)

Gene: ACTL6A (actin like 6A; plus strand). Cytogenetic location: 3q26.33.
Variant type: single nucleotide variant.
Coding change: c.561C>T on transcript NM_004301.5 (MANE Select); coding-DNA position 561, C replaced by T.
Protein change: p.Val187=; no amino-acid change (valine 187 retained).
Molecular consequence: synonymous variant.
Genome position (GRCh38, 1-based): chr3:179,576,301, C>T. VCF-style: chr3-179576301-C-T. GRCh37 (hg19) VCF-style: chr3-179294089-C-T.
Other names: c.435C>T, p.Val145= (NM_177989.4, NM_178042.4).
Identifiers: ClinVar variation 2654290 (VCV002654290.24), dbSNP rs368778776, ClinGen allele CA2712836.
Genomic context (GRCh38, chr3:179,576,301, plus strand): 5'-GCTGATTTTGGACAGTGGAGCCACTCATACCACTGCAATTCCAGTCCACGATGGCTATGT[C>T]CTTCAACAAGGTAAATGTATTTAACCAGGATACACTGAGATGATTTTAGATGCCATGAGG-3'
Protein context (NP_004292.1, residues 177-197): TTAIPVHDGY[Val187=]LQQGIVKSPL

ClinVar aggregate classification (germline): Likely benign (1 of 4 stars; one submission).

Allele frequency attached by ClinVar (database versions not stated): ExAC 0.00002; ESP Exome Variant Server 0.00008; TOPMed below 0.00001; gnomAD 0.00001; gnomAD exomes 0.00001.
gnomAD v4.1: 16 of 1,596,708 alleles (0.001%); highest among the groups gnomAD compares: East Asian, 0.0022%; no homozygotes.

Submission:

CeGaT Center for Human Genetics Tuebingen
Classification: Likely benign. Last evaluated: 2022-06-01. Review status: criteria provided, single submitter. Criteria: CeGaT Center For Human Genetics Tuebingen Variant Classification Criteria Version 2. Collection method: clinical testing. Allele origin: germline. Affected: yes. Observed: 1 variant allele.
Comment: ACTL6A: BP4, BP7